The following is an entry in ClinVar:

NM_001077415.3(CRELD1):c.935_936del (p.Glu312fs)

Gene: CRELD1 (cysteine rich with EGF like domains 1; plus strand). Cytogenetic location: 3p25.3.
Variant type: Microsatellite.
Coding change: c.935_936del on transcript NM_001077415.3 (MANE Select); coding-DNA positions 935 to 936, 2 bases deleted (AG; older notation c.935_936delAG).
Protein change: p.Glu312fs; shifts the reading frame from glutamic acid 312.
Molecular consequence: frameshift variant. On other transcripts: non-coding transcript variant (3).
Genome position (GRCh38, 1-based): chr3:9,943,402-9,943,403, AG deleted; deleting any 2 consecutive bases within chr3:9,943,400-9,943,403 gives the same sequence; the c. name uses the placement nearest the transcript's 3' end. VCF-style (leftmost placement, unchanged base first): chr3-9943399-CAG-C. GRCh37 (hg19) VCF-style: chr3-9985083-CAG-C.
Other names: c.935_936del, p.Glu312fs (NM_001031717.4, NM_001374316.1, NM_001374317.1 and 2 more transcripts); c.851_852del, p.Glu284fs (NM_001374319.1, NM_001374320.1); short protein forms E284fs, E312fs.
Identifiers: ClinVar variation 954306 (VCV000954306.1), dbSNP rs1243477103, ClinGen allele CA784261170.
Genomic context (GRCh38, chr3:9,943,399, plus strand): 5'-TGGGGGGCCCTAGCAGGACTCTGACCCCTCCCTCCCCTCAAGATGTGGATGAGTGTGAGA[CAG>C]AGGTGTGTCCGGGAGAGAACAAGCAGTGTGAAAACACCGAGGGCGGTTATCGCTGCATCT-3'

ClinVar aggregate classification (germline): Uncertain significance (1 of 4 stars; one submission).

Conditions:
Atrioventricular septal defect, susceptibility to, 2. Identifiers: MedGen C1853508, MONDO:0011650, OMIM 606217.

Submission:

Labcorp Genetics (formerly Invitae), Labcorp
Classification: Uncertain significance for Atrioventricular septal defect 2. Last evaluated: 2019-09-25. Review status: criteria provided, single submitter. Criteria: Invitae Variant Classification Sherloc (09022015). Collection method: clinical testing. Allele origin: germline.
Comment: This sequence change creates a premature translational stop signal (p.Glu312Glyfs*10) in the CRELD1 gene. It is expected to result in an absent or disrupted protein product. This variant is not present in population databases (ExAC no frequency). This variant has not been reported in the literature in individuals with CRELD1-related conditions. Algorithms developed to predict the effect of sequence changes on RNA splicing suggest that this variant may create or strengthen a splice site, but this prediction has not been confirmed by published transcriptional studies. The current clinical and genetic evidence is not sufficient to establish whether loss-of-function variants in CRELD1 cause disease. In summary, the available evidence is currently insufficient to determine the role of this variant in disease. Therefore, it has been classified as a Variant of Uncertain Significance.